The following is an entry in ClinVar:

NM_182972.3(IRF2BP2):c.488C>T (p.Ser163Phe)

Genes: IRF2BP2 (interferon regulatory factor 2 binding protein 2; minus strand), LOC129932812 (ATAC-STARR-seq lymphoblastoid silent region 1977; plus strand). Cytogenetic location: 1q42.3.
Variant type: single nucleotide variant.
Coding change: c.488C>T on transcript NM_182972.3 (MANE Select); coding-DNA position 488, C replaced by T.
Protein change: p.Ser163Phe; replaces serine 163 with phenylalanine.
Molecular consequence: missense variant.
Genome position (GRCh38, 1-based): chr1:234,609,007, G>A on the plus strand (C>T on the coding strand, the complement: IRF2BP2 is on the minus strand). VCF-style: chr1-234609007-G-A. GRCh37 (hg19) VCF-style: chr1-234744753-G-A.
Other names: c.488C>T, p.Ser163Phe (NM_001077397.1); short protein forms S163F.
Identifiers: ClinVar variation 2187207 (VCV002187207.4), dbSNP rs1189643695, ClinGen allele CA345310113.
Genomic context (GRCh38, chr1:234,609,007, plus strand): 5'-GCGTGGCCGCGCCGCGGGTTCGGGCTCTGGCGATTCAGCTCGGGCGGCTCCTCTAGCTTG[G>A]AGAAGCCGTTGGGCACCAGGATGCCGTTCACGGGCGGCGGCTGCGGCGTCGGCGGCTGGG-3'
Protein context (NP_892017.2, residues 153-173): VNGILVPNGF[Ser163Phe]KLEEPPELNR

ClinVar aggregate classification (germline): Uncertain significance (1 of 4 stars; one submission).

Allele frequency attached by ClinVar (database versions not stated): TOPMed 0.00001; gnomAD 0.00002; 1000 Genomes Project 30x 0.00016.
gnomAD v4.1: 24 of 1,336,896 alleles (0.0018%); highest among the groups gnomAD compares: East Asian, 0.0029%; no homozygotes.

Submission:

Labcorp Genetics (formerly Invitae), Labcorp
Classification: Uncertain significance. Last evaluated: 2025-04-10. Review status: criteria provided, single submitter. Criteria: Invitae Variant Classification Sherloc (09022015). Collection method: clinical testing. Allele origin: germline.
Comment: This sequence change replaces serine, which is neutral and polar, with phenylalanine, which is neutral and non-polar, at codon 163 of the IRF2BP2 protein (p.Ser163Phe). This variant is present in population databases (no rsID available, gnomAD 0.007%). This variant has not been reported in the literature in individuals affected with IRF2BP2-related conditions. ClinVar contains an entry for this variant (Variation ID: 2187207). An algorithm developed to predict the effect of missense changes on protein structure and function (PolyPhen-2) suggests that this variant is likely to be disruptive. In summary, the available evidence is currently insufficient to determine the role of this variant in disease. Therefore, it has been classified as a Variant of Uncertain Significance.